The following is an entry in ClinVar:

NM_001042646.3(TRAK1):c.91+2T>C

Gene: TRAK1 (trafficking kinesin protein 1; plus strand). Cytogenetic location: 3p22.1.
Variant type: single nucleotide variant.
Coding change: c.91+2T>C on transcript NM_001042646.3 (MANE Select); the canonical splice donor site of the intron after coding-DNA position 91, T replaced by C.
Molecular consequence: splice donor variant. On other transcripts: intron variant (1).
Genome position (GRCh38, 1-based): chr3:42,091,562, T>C. VCF-style: chr3-42091562-T-C. GRCh37 (hg19) VCF-style: chr3-42133054-T-C.
Other names: c.-222+4162T>C (NM_001349245.1); c.91+2T>C (NM_001349247.2, NM_001349246.2, NM_001265608.2).
Identifiers: ClinVar variation 3768563 (VCV003768563.1).
Genomic context (GRCh38, chr3:42,091,562, plus strand): 5'-CAGGGCTCAGCCTCTGCCAGGACTCTGCCACGGCAAGCTCATTCGGACAAACGCCTGTGG[T>C]AAGTTTGTTTGCCAGGTCTGTCTGCTGTCTGTTTTCTTTGTGGTGTGGTCGGAAAGGAGA-3'

ClinVar aggregate classification (germline): Uncertain significance (1 of 4 stars; one submission).

gnomAD v4.1: 12 of 1,610,852 alleles (0.00074%); highest among the groups gnomAD compares: African/African-American, 0.013%; no homozygotes.

Submission:

Women's Health and Genetics/Laboratory Corporation of America, LabCorp
Classification: Uncertain significance. Last evaluated: 2024-12-17. Review status: criteria provided, single submitter. Criteria: LabCorp Variant Classification Summary - May 2015. Collection method: clinical testing. Allele origin: germline.
Comment: Variant summary: TRAK1 c.91+2T>C is located in a canonical splice-site and is predicted to affect mRNA splicing resulting in a significantly altered protein due to either exon skipping, shortening, or inclusion of intronic material. Variants that disrupt the consensus splice site are a relatively common cause of aberrant splicing, however current evidence is not sufficient to establish loss of function as a mechanism for disease. Several computational tools predict a significant impact on normal splicing: Three predict the variant abolishes a 5' splicing donor site. However, these predictions have yet to be confirmed by functional studies. The variant allele was found at a frequency of 4.1e-06 in 243974 control chromosomes. The available data on variant occurrences in the general population are insufficient to allow any conclusion about variant significance. To our knowledge, no occurrence of c.91+2T>C in individuals affected with Developmental And Epileptic Encephalopathy, 68 and no experimental evidence demonstrating its impact on protein function have been reported. No submitters have cited clinical-significance assessments for this variant to ClinVar. Based on the evidence outlined above, the variant was classified as uncertain significance.